The following is an entry in ClinVar:

ClinVar aggregate classification (germline): Uncertain significance (1 of 4 stars; one submission).

Conditions:
Candidiasis, familial, 8 (CANDF8). Identifiers: Orphanet 1334, MedGen C3714992, MONDO:0014230, OMIM 615527.

Submission:

Labcorp Genetics (formerly Invitae), Labcorp
Classification: Uncertain significance for Candidiasis, familial, 8. Last evaluated: 2018-06-05. Review status: criteria provided, single submitter. Criteria: Invitae Variant Classification Sherloc (09022015). Collection method: clinical testing. Allele origin: germline.
Comment: This sequence change results in a premature translational stop signal in the TRAF3IP2 gene (p.Glu518*). While this is not anticipated to result in nonsense mediated decay, it is expected to delete the last 48 amino acids of the TRAF3IP2 protein. This variant is not present in population databases (ExAC no frequency). This variant has not been reported in the literature in individuals with TRAF3IP2-related disease. The current clinical and genetic evidence is not sufficient to establish whether loss-of-function variants in TRAF3IP2 cause disease. In summary, the available evidence is currently insufficient to determine the role of this variant in disease. Therefore, it has been classified as a Variant of Uncertain Significance.

NM_147686.4(TRAF3IP2):c.1552G>T (p.Glu518Ter)

Genes: TRAF3IP2 (TRAF3 interacting protein 2; minus strand), TRAF3IP2-AS1 (TRAF3IP2 antisense RNA 1; plus strand). Cytogenetic location: 6q21.
Variant type: single nucleotide variant.
Coding change: c.1552G>T on transcript NM_147686.4 (MANE Select); coding-DNA position 1552, G replaced by T.
Protein change: p.Glu518Ter; replaces glutamic acid 518 with a stop codon.
Molecular consequence: nonsense.
Genome position (GRCh38, 1-based): chr6:111,559,551, C>A on the plus strand (G>T on the coding strand, the complement: TRAF3IP2 is on the minus strand). VCF-style: chr6-111559551-C-A. GRCh37 (hg19) VCF-style: chr6-111880754-C-A.
Other names: c.1549G>T, p.Glu517Ter (NM_001164281.3); c.184G>T, p.Glu62Ter (NM_001164283.3); c.1579G>T, p.Glu527Ter (NM_147200.3); short protein forms E518*, E527*, E517*, E62*.
Identifiers: ClinVar variation 566723 (VCV000566723.1), dbSNP rs1562415808, ClinGen allele CA365367776.
Genomic context (GRCh38, chr6:111,559,551, plus strand): 5'-TTTTTTTATTCTTGGGCCAGCTGTAGACATGAGTGTTCTGAAGCCAGGTGGGCACATGCT[C>A]CTATGGGAGGCAGAATGACAGGAGCAAAGGTCATTAGAGAAAAACCTGGATGCCAGATCC-3'